The following is an entry in ClinVar:

NM_015662.3(IFT172):c.4975G>C (p.Glu1659Gln)

Genes: IFT172 (intraflagellar transport 172; minus strand), KRTCAP3 (keratinocyte associated protein 3; plus strand). Cytogenetic location: 2p23.3.
Variant type: single nucleotide variant.
Coding change: c.4975G>C on transcript NM_015662.3 (MANE Select); coding-DNA position 4975, G replaced by C.
Protein change: p.Glu1659Gln; replaces glutamic acid 1659 with glutamine.
Molecular consequence: missense variant. On other transcripts: intron variant (1).
Genome position (GRCh38, 1-based): chr2:27,445,389, C>G on the plus strand (G>C on the coding strand, the complement: IFT172 is on the minus strand). VCF-style: chr2-27445389-C-G. GRCh37 (hg19) VCF-style: chr2-27668256-C-G.
Other names: c.4909G>C, p.Glu1637Gln (NM_001410739.1); c.*6-912C>G (NM_001168364.2); short protein forms E1659Q, E1637Q.
Identifiers: ClinVar variation 1360956 (VCV001360956.6), dbSNP rs1488810130, ClinGen allele CA346413874.
Genomic context (GRCh38, chr2:27,445,389, plus strand): 5'-TGCTCGCTGCCACTAGGGAGGCCTCGTAGGCGCCACGCTCATCCCGAGGCAGAACCTGCT[C>G]CAGCCGCTGGTCCATGGAGACTGTAAGCACCCAGTCTCGAACCTCTTCTCTCTCAGCCTC-3'
Protein context (NP_056477.1, residues 1649-1669): VLTVSMDQRL[Glu1659Gln]QVLPRDERGA

ClinVar aggregate classification (germline): Uncertain significance (1 of 4 stars; one submission).

Conditions:
Short-rib thoracic dysplasia 10 with or without polydactyly (SRTD10). Identifiers: Orphanet 474, MedGen C3810175, MONDO:0014284, OMIM 615630.
Retinitis pigmentosa 71 (RP71). Identifiers: Orphanet 791, MedGen C4225342, MONDO:0014618, OMIM 616394.

Allele frequency attached by ClinVar (database versions not stated): gnomAD 0.00001; gnomAD exomes below 0.00001; TOPMed below 0.00001.
gnomAD v4.1: 4 of 1,612,768 alleles (0.00025%); highest among the groups gnomAD compares: African/African-American, 0.0013%; no homozygotes.

Submission:

Labcorp Genetics (formerly Invitae), Labcorp
Classification: Uncertain significance for Retinitis pigmentosa 71; Short-rib thoracic dysplasia 10 with or without polydactyly. Last evaluated: 2022-05-10. Review status: criteria provided, single submitter. Criteria: Invitae Variant Classification Sherloc (09022015). Collection method: clinical testing. Allele origin: germline.
Comment: This sequence change replaces glutamic acid, which is acidic and polar, with glutamine, which is neutral and polar, at codon 1659 of the IFT172 protein (p.Glu1659Gln). This variant is present in population databases (no rsID available, gnomAD 0.01%). This variant has not been reported in the literature in individuals affected with IFT172-related conditions. Algorithms developed to predict the effect of missense changes on protein structure and function (SIFT, PolyPhen-2, Align-GVGD) all suggest that this variant is likely to be tolerated. In summary, the available evidence is currently insufficient to determine the role of this variant in disease. Therefore, it has been classified as a Variant of Uncertain Significance.